The following is an entry in ClinVar:

NM_003055.3(SLC18A3):c.88C>T (p.Arg30Trp)

Genes: CHAT (choline O-acetyltransferase; plus strand), SLC18A3 (solute carrier family 18 member A3; plus strand). Cytogenetic location: 10q11.23.
Variant type: single nucleotide variant.
Coding change: c.88C>T on transcript NM_003055.3 (MANE Select); coding-DNA position 88, C replaced by T.
Protein change: p.Arg30Trp; replaces arginine 30 with tryptophan.
Molecular consequence: missense variant. On other transcripts: intron variant (1).
Genome position (GRCh38, 1-based): chr10:49,610,828, C>T. VCF-style: chr10-49610828-C-T. GRCh37 (hg19) VCF-style: chr10-50818874-C-T.
Other names: c.-69+1629C>T (NM_020984.4); short protein forms R30W.
Identifiers: ClinVar variation 1032111 (VCV001032111.45), dbSNP rs8187735, ClinGen allele CA5496687.

ClinVar aggregate classification (germline): Uncertain significance. Review status: criteria provided, multiple submitters, no conflicts (2 of 4 stars). 4 submissions from 4 submitters: Uncertain significance (4). Last evaluated 2025-08-04.

Conditions:
Inborn genetic diseases. Identifiers: MedGen C0950123, MeSH D030342.
Congenital myasthenic syndrome 21. Also called: Myasthenic syndrome, congenital, 21, presynaptic. Identifiers: MedGen C4310654, MONDO:0014983, OMIM 617239.

Allele frequency attached by ClinVar (database versions not stated): 1000 Genomes Project 0.00040; TOPMed 0.00010; 1000 Genomes Project 30x 0.00031.

Submissions (4):

Ambry Genetics
Classification: Uncertain significance for Inborn genetic diseases. Last evaluated: 2025-08-04. Review status: criteria provided, single submitter. Criteria: Ambry Variant Classification Scheme 2023. Collection method: clinical testing. Allele origin: germline.

Revvity Omics, Revvity
Classification: Uncertain significance for Congenital myasthenic syndrome 21. Last evaluated: 2025-03-04. Review status: criteria provided, single submitter. Criteria: ACMG Guidelines, 2015. Collection method: clinical testing. Allele origin: germline.

Labcorp Genetics (formerly Invitae), Labcorp
Classification: Uncertain significance. Last evaluated: 2022-08-23. Review status: criteria provided, single submitter. Criteria: Invitae Variant Classification Sherloc (09022015). Collection method: clinical testing. Allele origin: germline.
Comment: This sequence change replaces arginine, which is basic and polar, with tryptophan, which is neutral and slightly polar, at codon 30 of the SLC18A3 protein (p.Arg30Trp). This variant is present in population databases (rs8187735, gnomAD 0.04%). This variant has not been reported in the literature in individuals affected with SLC18A3-related conditions. ClinVar contains an entry for this variant (Variation ID: 1032111). Algorithms developed to predict the effect of missense changes on protein structure and function are either unavailable or do not agree on the potential impact of this missense change (SIFT: "Deleterious"; PolyPhen-2: "Benign"; Align-GVGD: "Class C0"). In summary, the available evidence is currently insufficient to determine the role of this variant in disease. Therefore, it has been classified as a Variant of Uncertain Significance.

Baylor Genetics
Classification: Uncertain significance for Congenital myasthenic syndrome 21. Last evaluated: 2018-11-30. Review status: criteria provided, single submitter. Criteria: ACMG Guidelines, 2015. Collection method: clinical testing. Allele origin: unknown. Affected: yes.
Comment: This variant was determined to be of uncertain significance according to ACMG Guidelines, 2015 [PMID:25741868].